The following is an entry in ClinVar:

NM_003068.5(SNAI2):c.344C>T (p.Ser115Phe)

Gene: SNAI2 (snail family transcriptional repressor 2; minus strand). Cytogenetic location: 8q11.21.
Variant type: single nucleotide variant.
Coding change: c.344C>T on transcript NM_003068.5 (MANE Select); coding-DNA position 344, C replaced by T.
Protein change: p.Ser115Phe; replaces serine 115 with phenylalanine.
Molecular consequence: missense variant.
Genome position (GRCh38, 1-based): chr8:48,920,177, G>A on the plus strand (C>T on the coding strand, the complement: SNAI2 is on the minus strand). VCF-style: chr8-48920177-G-A. GRCh37 (hg19) VCF-style: chr8-49832736-G-A.
Other names: short protein forms S115F.
Identifiers: ClinVar variation 4760127 (VCV004760127.1).

ClinVar aggregate classification (germline): Uncertain significance (1 of 4 stars; one submission).

gnomAD v4.1: 2 of 1,614,190 alleles (0.00012%); highest among the groups gnomAD compares: Admixed American, 0.0033%; no homozygotes.

Submission:

Labcorp Genetics (formerly Invitae), Labcorp
Classification: Uncertain significance. Last evaluated: 2025-11-29. Review status: criteria provided, single submitter. Criteria: Invitae Variant Classification Sherloc (09022015). Collection method: clinical testing. Allele origin: germline.
Comment: This sequence change replaces serine, which is neutral and polar, with phenylalanine, which is neutral and non-polar, at codon 115 of the SNAI2 protein (p.Ser115Phe). This variant is present in population databases (rs745724072, gnomAD 0.006%). This variant has not been reported in the literature in individuals affected with SNAI2-related conditions. An algorithm developed to predict the effect of missense changes on protein structure and function (PolyPhen-2) suggests that this variant is likely to be tolerated. In summary, the available evidence is currently insufficient to determine the role of this variant in disease. Therefore, it has been classified as a Variant of Uncertain Significance.